The following is an entry in ClinVar:

ClinVar aggregate classification (germline): Uncertain significance (1 of 4 stars; one submission).

Conditions:
Teebi hypertelorism syndrome 1. Identifiers: Orphanet 1519, MedGen CN306405, MONDO:0800025, OMIM 145420.

Submission:

Laboratory of Medical Genetics, National & Kapodistrian University of Athens
Classification: Uncertain significance for Teebi hypertelorism syndrome 1. Last evaluated: 2021-12-20. Review status: criteria provided, single submitter. Criteria: ACMG Guidelines, 2015. Collection method: clinical testing. Allele origin: paternal. Affected: yes.
Comment: PVS1, PM2

NM_015330.6(SPECC1L):c.1062del (p.Gln354fs)

Genes: SPECC1L-ADORA2A (SPECC1L-ADORA2A readthrough (NMD candidate); plus strand), SPECC1L (sperm antigen with calponin homology and coiled-coil domains 1 like; plus strand). Cytogenetic location: 22q11.23.
Variant type: Deletion.
Coding change: c.1062del on transcript NM_015330.6 (MANE Select); coding-DNA position 1062, one base deleted (G; older notation c.1062delG).
Protein change: p.Gln354fs; shifts the reading frame from glutamine 354.
Molecular consequence: frameshift variant. On other transcripts: non-coding transcript variant (1).
Genome position (GRCh38, 1-based): chr22:24,322,042, G deleted. VCF-style (leftmost placement, unchanged base first): chr22-24322041-AG-A. GRCh37 (hg19) VCF-style: chr22-24718009-AG-A.
Other names: c.1062del, p.Gln354fs (NM_001145468.4, NM_001254732.3); c.1062delG (NM_001145468.4); short protein forms Q354fs.
Identifiers: ClinVar variation 1708090 (VCV001708090.1), dbSNP rs2517652102, ClinGen allele CA2580099268.